The following is an entry in ClinVar:

NM_000122.2(ERCC3):c.991G>A (p.Gly331Arg)

Gene: ERCC3 (ERCC excision repair 3, TFIIH core complex helicase subunit; minus strand). Cytogenetic location: 2q14.3.
Variant type: single nucleotide variant.
Coding change: c.991G>A on transcript NM_000122.2 (MANE Select); coding-DNA position 991, G replaced by A.
Protein change: p.Gly331Arg; replaces glycine 331 with arginine.
Molecular consequence: missense variant.
Genome position (GRCh38, 1-based): chr2:127,288,696, C>T on the plus strand (G>A on the coding strand, the complement: ERCC3 is on the minus strand). VCF-style: chr2-127288696-C-T. GRCh37 (hg19) VCF-style: chr2-128046272-C-T.
Other names: c.799G>A, p.Gly267Arg (NM_001303416.2, NM_001303418.2); short protein forms G267R, G331R.
Identifiers: ClinVar variation 1429961 (VCV001429961.4), dbSNP rs745564603, ClinGen allele CA55339057.

ClinVar aggregate classification (germline): Uncertain significance (1 of 4 stars; one submission).

Allele frequency attached by ClinVar (database versions not stated): TOPMed 0.00002; gnomAD 0.00001.
gnomAD v4.1: 10 of 1,614,024 alleles (0.00062%); highest among the groups gnomAD compares: East Asian, 0.0022%; no homozygotes.

Submission:

Labcorp Genetics (formerly Invitae), Labcorp
Classification: Uncertain significance. Last evaluated: 2021-11-27. Review status: criteria provided, single submitter. Criteria: Invitae Variant Classification Sherloc (09022015). Collection method: clinical testing. Allele origin: germline.
Comment: In summary, the available evidence is currently insufficient to determine the role of this variant in disease. Therefore, it has been classified as a Variant of Uncertain Significance. Algorithms developed to predict the effect of sequence changes on RNA splicing suggest that this variant may create or strengthen a splice site. Algorithms developed to predict the effect of missense changes on protein structure and function (SIFT, PolyPhen-2, Align-GVGD) all suggest that this variant is likely to be disruptive. This variant has not been reported in the literature in individuals affected with ERCC3-related conditions. This variant is not present in population databases (gnomAD no frequency). This sequence change replaces glycine, which is neutral and non-polar, with arginine, which is basic and polar, at codon 331 of the ERCC3 protein (p.Gly331Arg).